The following is an entry in ClinVar:

ClinVar aggregate classification (germline): Likely benign (1 of 4 stars; one submission).

gnomAD v4.1: 5 of 1,614,164 alleles (0.00031%); highest among the groups gnomAD compares: Admixed American, 0.0083%; no homozygotes.

Submission:

Mayo Clinic Laboratories, Mayo Clinic
Classification: Likely benign. Last evaluated: 2025-01-20. Review status: criteria provided, single submitter. Criteria: ACMG Guidelines, 2015. Collection method: clinical testing. Allele origin: germline. Observed: 1 variant allele.
Comment: BP4, BP7

NM_000435.3(NOTCH3):c.5484G>T (p.Gly1828=)

Gene: NOTCH3 (notch receptor 3; minus strand). Cytogenetic location: 19p13.12.
Variant type: single nucleotide variant.
Coding change: c.5484G>T on transcript NM_000435.3 (MANE Select); coding-DNA position 5484, G replaced by T.
Protein change: p.Gly1828=; no amino-acid change (glycine 1828 retained).
Molecular consequence: synonymous variant.
Genome position (GRCh38, 1-based): chr19:15,165,970, C>A on the plus strand (G>T on the coding strand, the complement: NOTCH3 is on the minus strand). VCF-style: chr19-15165970-C-A. GRCh37 (hg19) VCF-style: chr19-15276781-C-A.
Other names: p.Gly1828=.
Identifiers: ClinVar variation 4684318 (VCV004684318.1).